The following is an entry in ClinVar:

NM_020843.4(SCAPER):c.1441G>C (p.Val481Leu)

Gene: SCAPER (S-phase cyclin A associated protein in the ER; minus strand). Cytogenetic location: 15q24.3.
Variant type: single nucleotide variant.
Coding change: c.1441G>C on transcript NM_020843.4 (MANE Select); coding-DNA position 1441, G replaced by C.
Protein change: p.Val481Leu; replaces valine 481 with leucine.
Molecular consequence: missense variant. On other transcripts: non-coding transcript variant (1).
Genome position (GRCh38, 1-based): chr15:76,765,617, C>G on the plus strand (G>C on the coding strand, the complement: SCAPER is on the minus strand). VCF-style: chr15-76765617-C-G. GRCh37 (hg19) VCF-style: chr15-77057958-C-G.
Other names: c.703G>C, p.Val235Leu (NM_001145923.2); c.1459G>C, p.Val487Leu (NM_001353009.2); c.1039G>C, p.Val347Leu (NM_001353010.2, NM_001353012.2); c.1057G>C, p.Val353Leu (NM_001353011.2); short protein forms V481L, V235L, V487L, V347L, V353L.
Identifiers: ClinVar variation 4991076 (VCV004991076.1).

ClinVar aggregate classification (germline): Uncertain significance (1 of 4 stars; one submission).

Conditions:
SCAPER-related disorder. Also called: SCAPER-related condition.

gnomAD v4.1: 2 of 1,583,692 alleles (0.00013%); highest among the groups gnomAD compares: Non-Finnish European, 0.00017%; no homozygotes.

Submission:

PreventionGenetics, part of Exact Sciences
Classification: Uncertain significance for SCAPER-related condition. Last evaluated: 2025-10-28. Review status: criteria provided, single submitter. Criteria: ACMG Guidelines, 2015. Collection method: clinical testing. Allele origin: germline.
Comment: The SCAPER c.1459G>C variant is predicted to result in the amino acid substitution p.Val487Leu. To our knowledge, this variant has not been reported in the literature. This variant is reported in 0.0012% of alleles in individuals of European (Non-Finnish) descent in gnomAD. At this time, the clinical significance of this variant is uncertain due to the absence of conclusive functional and genetic evidence.